The following is an entry in ClinVar:

NM_153813.3(ZFPM1):c.1005C>T (p.Cys335=)

Gene: ZFPM1 (zinc finger protein, FOG family member 1; plus strand). Cytogenetic location: 16q24.2.
Variant type: single nucleotide variant.
Coding change: c.1005C>T on transcript NM_153813.3 (MANE Select); coding-DNA position 1005, C replaced by T.
Protein change: p.Cys335=; no amino-acid change (cysteine 335 retained).
Molecular consequence: synonymous variant.
Genome position (GRCh38, 1-based): chr16:88,532,672, C>T. VCF-style: chr16-88532672-C-T. GRCh37 (hg19) VCF-style: chr16-88599080-C-T.
Other names: NC_000016.9:g.88599080C>T.
Identifiers: ClinVar variation 2646975 (VCV002646975.25), dbSNP rs150205611, ClinGen allele CA8226093.

ClinVar aggregate classification (germline): Likely benign (1 of 4 stars; one submission).

Allele frequency attached by ClinVar (database versions not stated): ESP Exome Variant Server 0.00031; ExAC 0.00033; gnomAD exomes 0.00039.
gnomAD v4.1: 583 of 1,604,052 alleles (0.036%); highest among the groups gnomAD compares: Non-Finnish European, 0.048%; no homozygotes.

Submissions (2):

CeGaT Center for Human Genetics Tuebingen
Classification: Likely benign. Last evaluated: 2022-06-01. Review status: criteria provided, single submitter. Criteria: CeGaT Center For Human Genetics Tuebingen Variant Classification Criteria Version 2. Collection method: clinical testing. Allele origin: germline. Affected: yes. Observed: 1 variant allele.
Comment: ZFPM1: BP4, BP7

Dr. Peter K. Rogan Lab, Western University
No classification provided (evidence only). Condition: Acute myeloid leukemia. Review status: no classification provided. Collection method: in vitro. Allele origin: not applicable. Functional consequence: retained intron. Not counted in ClinVar's aggregate classification.